The following is an entry in ClinVar:

ClinVar aggregate classification (germline): Uncertain significance (1 of 4 stars; one submission).

Conditions:
Treacher Collins syndrome 4. Identifiers: MedGen C5394546, MONDO:0030067, OMIM 618939.

Submission:

3billion
Classification: Uncertain significance for Treacher Collins syndrome 4. Last evaluated: 2022-09-01. Review status: criteria provided, single submitter. Criteria: ACMG Guidelines, 2015. Collection method: clinical testing. Allele origin: germline. Affected: yes. Observed: 1 heterozygote.
Comment: The variant is not observed in the gnomAD v2.1.1 dataset. Missense changes are a common disease-causing mechanism. In silico tool predictions suggest damaging effect of the variant on gene or gene product (REVEL: 0.77; 3Cnet: 0.99). This variant is classified as uncertain significance according to the recommendation of ACMG/AMP guideline.

NM_019014.6(POLR1B):c.2055C>A (p.Asn685Lys)

Gene: POLR1B (RNA polymerase I subunit B; plus strand). Cytogenetic location: 2q14.1.
Variant type: single nucleotide variant.
Coding change: c.2055C>A on transcript NM_019014.6 (MANE Select); coding-DNA position 2055, C replaced by A.
Protein change: p.Asn685Lys; replaces asparagine 685 with lysine.
Molecular consequence: missense variant.
Genome position (GRCh38, 1-based): chr2:112,568,883, C>A. VCF-style: chr2-112568883-C-A. GRCh37 (hg19) VCF-style: chr2-113326460-C-A.
Other names: c.1887C>A, p.Asn629Lys (NM_001137604.3, NM_032212.2); c.2169C>A, p.Asn723Lys (NM_001282772.2); c.1506C>A, p.Asn502Lys (NM_001282774.2); c.1422C>A, p.Asn474Lys (NM_001282776.2, NM_001371971.1); c.1638C>A, p.Asn546Lys (NM_001282777.2, NM_001282779.2, NM_001371970.1); c.2193C>A, p.Asn731Lys (NM_001371969.1); short protein forms N474K, N502K, N546K, N629K, N685K, N723K, N731K.
Identifiers: ClinVar variation 1705674 (VCV001705674.1), dbSNP rs2467655297, ClinGen allele CA348274218.